The following is an entry in ClinVar:

NM_004817.4(TJP2):c.2071C>T (p.Gln691Ter)

Gene: TJP2 (tight junction protein 2; plus strand). Cytogenetic location: 9q21.11.
Variant type: single nucleotide variant.
Coding change: c.2071C>T on transcript NM_004817.4 (MANE Select); coding-DNA position 2071, C replaced by T.
Protein change: p.Gln691Ter; replaces glutamine 691 with a stop codon.
Molecular consequence: nonsense.
Genome position (GRCh38, 1-based): chr9:69,237,028, C>T. VCF-style: chr9-69237028-C-T. GRCh37 (hg19) VCF-style: chr9-71851944-C-T.
Other names: c.2002C>T, p.Gln668Ter (NM_001170414.2, NM_001369871.1); c.2083C>T, p.Gln695Ter (NM_001170415.1, NM_001369874.1, NM_001369875.1); c.2164C>T, p.Gln722Ter (NM_001170416.2); c.1996C>T, p.Gln666Ter (NM_001369870.1); c.2071C>T, p.Gln691Ter (NM_001369872.1, NM_001369873.1, NM_201629.3); short protein forms Q666*, Q668*, Q691*, Q695*, Q722*.
Identifiers: ClinVar variation 1705691 (VCV001705691.1), dbSNP rs2538580998, ClinGen allele CA373532905.

ClinVar aggregate classification (germline): Pathogenic (1 of 4 stars; one submission).

Conditions:
Cholestasis, progressive familial intrahepatic, 4. Identifiers: Orphanet 480483, Orphanet 79304, MedGen C2931067, MONDO:0014381, OMIM 615878.

Submission:

3billion
Classification: Pathogenic for Cholestasis, progressive familial intrahepatic, 4. Last evaluated: 2022-09-01. Review status: criteria provided, single submitter. Criteria: ACMG Guidelines, 2015. Collection method: clinical testing. Allele origin: germline. Affected: yes. Observed: 1 homozygote.
Comment: The variant is not observed in the gnomAD v2.1.1 dataset. Stop-gained (nonsense) is predicted to result in a loss or disruption of normal protein function through nonsense-mediated decay (NMD) or protein truncation. Multiple pathogenic variants are reported downstream of the variant. Therefore, this variant is classified as Pathogenic according to the recommendation of ACMG/AMP guideline.